The following is an entry in ClinVar:

NM_153252.5(BRWD3):c.478C>T (p.His160Tyr)

Gene: BRWD3 (bromodomain and WD repeat domain containing 3; minus strand). Cytogenetic location: Xq21.1.
Variant type: single nucleotide variant.
Coding change: c.478C>T on transcript NM_153252.5 (MANE Select); coding-DNA position 478, C replaced by T.
Protein change: p.His160Tyr; replaces histidine 160 with tyrosine.
Molecular consequence: missense variant.
Genome position (GRCh38, 1-based): chrX:80,745,682, G>A on the plus strand (C>T on the coding strand, the complement: BRWD3 is on the minus strand). VCF-style: chrX-80745682-G-A. GRCh37 (hg19) VCF-style: chrX-80001181-G-A.
Other names: short protein forms H160Y.
Identifiers: ClinVar variation 389215 (VCV000389215.2), dbSNP rs776948908, ClinGen allele CA16608966.

ClinVar aggregate classification (germline): Uncertain significance (1 of 4 stars; one submission).

Allele frequency attached by ClinVar (database versions not stated): gnomAD exomes 0.00001.
gnomAD v4.1: 9 of 1,208,370 alleles (0.00074%); highest among the groups gnomAD compares: Non-Finnish European, 0.001%; no homozygotes.

Submission:

GeneDx
Classification: Uncertain significance. Last evaluated: 2016-09-07. Review status: criteria provided, single submitter. Criteria: GeneDx Variant Classification (06012015). Collection method: clinical testing. Allele origin: germline. Affected: yes.
Comment: A variant of uncertain significance has been identified in the BRWD3 gene. The H160Y variant has not been published as a pathogenic variant, nor has it been reported as a benign variant to our knowledge. It was not observed in approximately 6500 individuals of European and African American ancestry in the NHLBI Exome Sequencing Project, indicating it is not a common benign variant in these populations. The H160Y variant is a non-conservative amino acid substitution that occurs at a position that is conserved in mammals. In silico analysis is inconsistent in its predictions as to whether or not the variant is damaging to the protein structure/function. Therefore, based on the currently available information, it is unclear whether this variant is a pathogenic variant or a rare benign variant.